The following is an entry in ClinVar:

NM_005461.5(MAFB):c.890A>T (p.Lys297Met)

Gene: MAFB (MAF bZIP transcription factor B; minus strand). Cytogenetic location: 20q12.
Variant type: single nucleotide variant.
Coding change: c.890A>T on transcript NM_005461.5 (MANE Select); coding-DNA position 890, A replaced by T.
Protein change: p.Lys297Met; replaces lysine 297 with methionine.
Molecular consequence: missense variant.
Genome position (GRCh38, 1-based): chr20:40,687,961, T>A on the plus strand (A>T on the coding strand, the complement: MAFB is on the minus strand). VCF-style: chr20-40687961-T-A. GRCh37 (hg19) VCF-style: chr20-39316601-T-A.
Other names: short protein forms K297M.
Identifiers: ClinVar variation 1521840 (VCV001521840.6), dbSNP rs2123043108, ClinGen allele CA408940164.

ClinVar aggregate classification (germline): Uncertain significance (1 of 4 stars; one submission).

Submission:

Labcorp Genetics (formerly Invitae), Labcorp
Classification: Uncertain significance. Last evaluated: 2022-09-13. Review status: criteria provided, single submitter. Criteria: Invitae Variant Classification Sherloc (09022015). Collection method: clinical testing. Allele origin: germline.
Comment: In summary, the available evidence is currently insufficient to determine the role of this variant in disease. Therefore, it has been classified as a Variant of Uncertain Significance. Advanced modeling of protein sequence and biophysical properties (such as structural, functional, and spatial information, amino acid conservation, physicochemical variation, residue mobility, and thermodynamic stability) performed at Invitae indicates that this missense variant is expected to disrupt MAFB protein function. ClinVar contains an entry for this variant (Variation ID: 1521840). This variant has not been reported in the literature in individuals affected with MAFB-related conditions. This variant is not present in population databases (gnomAD no frequency). This sequence change replaces lysine, which is basic and polar, with methionine, which is neutral and non-polar, at codon 297 of the MAFB protein (p.Lys297Met).